The following is an entry in ClinVar:

NM_000900.5(MGP):c.61+10T>G

Gene: MGP (matrix Gla protein; minus strand). Cytogenetic location: 12p12.3.
Variant type: single nucleotide variant.
Coding change: c.61+10T>G on transcript NM_000900.5 (MANE Select); 10 bases into the intron after coding-DNA position 61, T replaced by G.
Molecular consequence: intron variant.
Genome position (GRCh38, 1-based): chr12:14,885,721, A>C on the plus strand (T>G on the coding strand, the complement: MGP is on the minus strand). VCF-style: chr12-14885721-A-C. GRCh37 (hg19) VCF-style: chr12-15038655-A-C.
Other names: c.61+10T>G (NM_000900.4, NM_001190839.3).
Identifiers: ClinVar variation 746959 (VCV000746959.12), dbSNP rs149170354, ClinGen allele CA6465224.

ClinVar aggregate classification (germline): Likely benign. Review status: criteria provided, multiple submitters, no conflicts (2 of 4 stars). 3 submissions from 3 submitters: Likely benign (3). Last evaluated 2025-12-08.

Conditions:
MGP-related disorder. Also called: MGP-related condition.

Allele frequency attached by ClinVar (database versions not stated): gnomAD exomes 0.00004; ExAC 0.00005; gnomAD 0.00009 and 0.00010; TOPMed 0.00013; 1000 Genomes Project 30x 0.00016; 1000 Genomes Project 0.00020; ESP Exome Variant Server 0.00038.

Submissions (3):

Labcorp Genetics (formerly Invitae), Labcorp
Classification: Likely benign. Last evaluated: 2025-12-08. Review status: criteria provided, single submitter. Criteria: Invitae Variant Classification Sherloc (09022015). Collection method: clinical testing. Allele origin: germline.

PreventionGenetics, part of Exact Sciences
Classification: Likely benign for MGP-related condition. Last evaluated: 2025-10-19. Review status: criteria provided, single submitter. Criteria: ACMG Guidelines, 2015. Collection method: clinical testing. Allele origin: germline.
Comment: This variant is classified as likely benign based on ACMG/AMP sequence variant interpretation guidelines (Richards et al. 2015 PMID: 25741868, with internal and published modifications).

Blueprint Genetics
Classification: Likely benign. Last evaluated: 2024-08-29. Review status: criteria provided, single submitter. Criteria: ACMG Guidelines, 2015. Collection method: clinical testing. Allele origin: germline.